The following is an entry in ClinVar:

NM_000321.3(RB1):c.1987_1990del (p.Asn663fs)

Gene: RB1 (RB transcriptional corepressor 1; plus strand). Cytogenetic location: 13q14.2.
Variant type: Deletion.
Coding change: c.1987_1990del on transcript NM_000321.3 (MANE Select); coding-DNA positions 1987 to 1990, 4 bases deleted (AATA; older notation c.1987_1990delAATA).
Protein change: p.Asn663fs; shifts the reading frame from asparagine 663.
Molecular consequence: frameshift variant.
Genome position (GRCh38, 1-based): chr13:48,459,714-48,459,717, AATA deleted; deleting any 4 consecutive bases within chr13:48,459,712-48,459,717 gives the same sequence; the c. name uses the placement nearest the transcript's 3' end. VCF-style (leftmost placement, unchanged base first): chr13-48459711-CTAAA-C. GRCh37 (hg19) VCF-style: chr13-49033847-CTAAA-C.
Other names: c.1987_1990del, p.Asn663fs (NM_001407165.1); short protein forms N663fs.
Identifiers: ClinVar variation 3237053 (VCV003237053.1), dbSNP rs2542368027.

ClinVar aggregate classification (germline): Pathogenic (1 of 4 stars; one submission).

Conditions:
Retinoblastoma (RB1). Also called: RETINOBLASTOMA, SOMATIC. Identifiers: Orphanet 790, MedGen C0035335, MeSH D012175, MONDO:0008380, OMIM 180200, HP:0009919. Disease mechanism: loss of function. Inheritance: Both sporadic and heritable forms are tested..

Submission:

Genetic Diagnostic Laboratory, University of Pennsylvania School of Medicine
Classification: Pathogenic for Retinoblastoma. Last evaluated: 2024-05-20. Review status: criteria provided, single submitter. Criteria: ACMG Guidelines, 2015. Collection method: clinical testing. Allele origin: germline. Affected: yes. Observed: 1 variant allele.
Comment: Case and Pedigree Information: BILATERAL CASES:0, UNILATERAL CASES:1, TOTAL CASES:1, PEDIGREES:1. ACMG Codes Applied:PVS1, PM2